The following is an entry in ClinVar:

NM_002470.4(MYH3):c.5473T>C (p.Phe1825Leu)

Gene: MYH3 (myosin heavy chain 3; minus strand). Cytogenetic location: 17p13.1.
Variant type: single nucleotide variant.
Coding change: c.5473T>C on transcript NM_002470.4 (MANE Select); coding-DNA position 5473, T replaced by C.
Protein change: p.Phe1825Leu; replaces phenylalanine 1825 with leucine.
Molecular consequence: missense variant.
Genome position (GRCh38, 1-based): chr17:10,630,181, A>G on the plus strand (T>C on the coding strand, the complement: MYH3 is on the minus strand). VCF-style: chr17-10630181-A-G. GRCh37 (hg19) VCF-style: chr17-10533498-A-G.
Other names: short protein forms F1825L.
Identifiers: ClinVar variation 930995 (VCV000930995.3), dbSNP rs2074140828, ClinGen allele CA398130775.

ClinVar aggregate classification (germline): Uncertain significance (1 of 4 stars; one submission).

Conditions:
Arthrogryposis, distal, type 2B3. Also called: Arthrogryposis, distal, type 2B3 (Sheldon-Hall). Identifiers: MedGen C5193098, MONDO:0032751, OMIM 618436.

Allele frequency attached by ClinVar (database versions not stated): gnomAD exomes below 0.00001; TOPMed 0.00001.
gnomAD v4.1: 1 of 1,613,494 alleles (0.000062%); highest among the groups gnomAD compares: Non-Finnish European, 0.000085%; no homozygotes.

Submission:

Centre for Mendelian Genomics, University Medical Centre Ljubljana
Classification: Uncertain significance for Arthrogryposis, distal, type 2B3. Last evaluated: 2018-12-03. Review status: criteria provided, single submitter. Criteria: ACMG Guidelines, 2015. Collection method: clinical testing. Allele origin: unknown. Affected: yes.
Comment: This variant was classified as: Uncertain significance. The available evidence on this variant's pathogenicity is insufficient or conflicting. The following ACMG criteria were applied in classifying this variant: PM2.